The following is an entry in ClinVar:

ClinVar aggregate classification (germline): Uncertain significance (1 of 4 stars; one submission).

Conditions:
Weaver syndrome (WVS). Also called: Weaver Smith syndrome; Overgrowth syndrome with accelerated skeletal maturation, unusual facies, and camptodactyly. Identifiers: Orphanet 3447, MedGen C0265210, MONDO:0010193, OMIM 277590.

Allele frequency attached by ClinVar (database versions not stated): gnomAD exomes 0.00001; TOPMed 0.00001.
gnomAD v4.1: 13 of 1,613,702 alleles (0.00081%); highest among the groups gnomAD compares: Middle Eastern, 0.016%; no homozygotes.

Submission:

Labcorp Genetics (formerly Invitae), Labcorp
Classification: Uncertain significance for Weaver syndrome. Last evaluated: 2023-02-25. Review status: criteria provided, single submitter. Criteria: Invitae Variant Classification Sherloc (09022015). Collection method: clinical testing. Allele origin: germline.
Comment: In summary, the available evidence is currently insufficient to determine the role of this variant in disease. Therefore, it has been classified as a Variant of Uncertain Significance. Advanced modeling of protein sequence and biophysical properties (such as structural, functional, and spatial information, amino acid conservation, physicochemical variation, residue mobility, and thermodynamic stability) performed at Invitae indicates that this missense variant is not expected to disrupt EZH2 protein function. This variant has not been reported in the literature in individuals affected with EZH2-related conditions. This variant is not present in population databases (gnomAD no frequency). This sequence change replaces isoleucine, which is neutral and non-polar, with valine, which is neutral and non-polar, at codon 423 of the EZH2 protein (p.Ile423Val).

NM_004456.5(EZH2):c.1267A>G (p.Ile423Val)

Gene: EZH2 (enhancer of zeste 2 polycomb repressive complex 2 subunit; minus strand). Cytogenetic location: 7q36.1.
Variant type: single nucleotide variant.
Coding change: c.1267A>G on transcript NM_004456.5 (MANE Select); coding-DNA position 1267, A replaced by G.
Protein change: p.Ile423Val; replaces isoleucine 423 with valine.
Molecular consequence: missense variant.
Genome position (GRCh38, 1-based): chr7:148,817,365, T>C on the plus strand (A>G on the coding strand, the complement: EZH2 is on the minus strand). VCF-style: chr7-148817365-T-C. GRCh37 (hg19) VCF-style: chr7-148514457-T-C.
Other names: c.1252A>G, p.Ile418Val (NM_001203247.2); c.1225A>G, p.Ile409Val (NM_001203248.2, NM_001203249.2); c.1135A>G, p.Ile379Val (NM_152998.3); short protein forms I379V, I409V, I418V, I423V.
Identifiers: ClinVar variation 2901846 (VCV002901846.3), dbSNP rs1315928462, ClinGen allele CA369715489.
Genomic context (GRCh38, chr7:148,817,365, plus strand): 5'-AGGCTTCAGCACCACTCCACTCCACATTCTCAGGAGGTTCAATATTTGGCTTCATCTTTA[T>C]TGGTGTTTGACACCGAGAATTTGCTTCTACAAAACCAAATGTAAGCACTGGTCAAGAAAT-3'
Protein context (NP_004447.2, residues 413-433): SEANSRCQTP[Ile423Val]KMKPNIEPPE